The following is an entry in ClinVar:

NM_020800.3(IFT80):c.897G>A (p.Val299=)

Genes: TRIM59-IFT80 (TRIM59-IFT80 readthrough (NMD candidate); minus strand), IFT80 (intraflagellar transport 80; minus strand). Cytogenetic location: 3q25.33.
Variant type: single nucleotide variant.
Coding change: c.897G>A on transcript NM_020800.3 (MANE Select); coding-DNA position 897, G replaced by A.
Protein change: p.Val299=; no amino-acid change (valine 299 retained).
Molecular consequence: synonymous variant. On other transcripts: non-coding transcript variant (3).
Genome position (GRCh38, 1-based): chr3:160,319,820, C>T on the plus strand (G>A on the coding strand, the complement: IFT80 is on the minus strand). VCF-style: chr3-160319820-C-T. GRCh37 (hg19) VCF-style: chr3-160037608-C-T.
Other names: c.486G>A, p.Val162= (NM_001190241.2, NM_001190242.2).
Identifiers: ClinVar variation 343974 (VCV000343974.35), dbSNP rs145776235, ClinGen allele CA2685317.

ClinVar aggregate classification (germline): Conflicting classifications of pathogenicity. Review status: criteria provided, conflicting classifications (1 of 4 stars). 6 submissions from 6 submitters: Uncertain significance (1); Benign (2); Likely benign (3). Last evaluated 2026-01-12.

Conditions:
Asphyxiating thoracic dystrophy 2 (SRTD2). Also called: SHORT-RIB THORACIC DYSPLASIA 2 WITH OR WITHOUT POLYDACTYLY; SHORT-RIB THORACIC DYSPLASIA 2 WITH POLYDACTYLY; SHORT-RIB THORACIC DYSPLASIA 2 WITHOUT POLYDACTYLY. Identifiers: Orphanet 474, MedGen C1970005, MONDO:0012644, OMIM 611263.
Jeune thoracic dystrophy. Also called: Short-rib thoracic dysplasia; Jeune syndrome; Infantile thoracic dystrophy; Thoracic pelvic phalangeal dystrophy; Jeune's syndrome; Chondroectodermal dysplasia-like syndrome. Identifiers: Orphanet 474, MedGen C0265275, MONDO:0018770.

Allele frequency attached by ClinVar (database versions not stated): 1000 Genomes Project 30x 0.00031; 1000 Genomes Project 0.00040; TOPMed 0.00086; ESP Exome Variant Server 0.00115; gnomAD 0.00146 and 0.00156; gnomAD exomes 0.00187; ExAC 0.00206.
gnomAD v4.1: 2,941 of 1,612,948 alleles (0.18%); highest among the groups gnomAD compares: Non-Finnish European, 0.19%; 3 homozygotes.

Submissions (6):

Labcorp Genetics (formerly Invitae), Labcorp
Classification: Benign for Jeune thoracic dystrophy. Last evaluated: 2026-01-12. Review status: criteria provided, single submitter. Criteria: Invitae Variant Classification Sherloc (09022015). Collection method: clinical testing. Allele origin: germline.

ARUP Laboratories, Molecular Genetics and Genomics, ARUP Laboratories
Classification: Likely benign for Asphyxiating thoracic dystrophy 2. Last evaluated: 2025-04-14. Review status: criteria provided, single submitter. Criteria: ARUP Molecular Germline Variant Investigation Process 2024. Collection method: clinical testing. Allele origin: germline.

Blueprint Genetics
Classification: Likely benign. Last evaluated: 2024-11-20. Review status: criteria provided, single submitter. Criteria: ACMG Guidelines, 2015. Collection method: clinical testing. Allele origin: germline.

CeGaT Center for Human Genetics Tuebingen
Classification: Likely benign. Last evaluated: 2024-11-01. Review status: criteria provided, single submitter. Criteria: CeGaT Center For Human Genetics Tuebingen Variant Classification Criteria Version 2. Collection method: clinical testing. Allele origin: germline. Affected: yes. Observed: 1 variant allele.
Comment: IFT80: BP4, BP7

Illumina Laboratory Services, Illumina
Classification: Uncertain significance for Asphyxiating thoracic dystrophy 2. Last evaluated: 2018-01-13. Review status: criteria provided, single submitter. Criteria: ICSL Variant Classification Criteria 13 December 2019. Collection method: clinical testing. Allele origin: germline.

Eurofins Ntd Llc (ga)
Classification: Benign. Last evaluated: 2017-04-14. Review status: criteria provided, single submitter. Criteria: EGL Classification Definitions 2015. Collection method: clinical testing. Allele origin: germline. Observed: 1 variant allele, 1 heterozygote.